The following is an entry in ClinVar:

ClinVar aggregate classification (germline): Uncertain significance. Review status: criteria provided, single submitter (1 of 4 stars). 2 submissions from 2 submitters: Uncertain significance (1). 1 of the submissions does not count toward it. Last evaluated 2025-11-13.

Conditions:
Inborn genetic diseases. Identifiers: MedGen C0950123, MeSH D030342.

Allele frequency attached by ClinVar (database versions not stated): TOPMed 0.00029; gnomAD exomes 0.00008 and 0.00002; ExAC 0.00010; gnomAD 0.00017 and 0.00018; ESP Exome Variant Server 0.00038.
gnomAD v4.1: 63 of 1,613,466 alleles (0.0039%); highest among the groups gnomAD compares: African/African-American, 0.06%; no homozygotes.

Submissions (2):

Ambry Genetics
Classification: Uncertain significance for Inborn genetic diseases. Last evaluated: 2025-11-13. Review status: criteria provided, single submitter. Criteria: Ambry Variant Classification Scheme 2023. Collection method: clinical testing. Allele origin: germline.
Comment: The c.2998G>A (p.D1000N) alteration is located in exon 23 (coding exon 23) of the DPYD gene. This alteration results from a G to A substitution at nucleotide position 2998, causing the aspartic acid (D) at amino acid position 1000 to be replaced by an asparagine (N). Based on data from gnomAD, the A allele has an overall frequency of 0.01% (28/282708) total alleles studied. The highest observed frequency was 0.084% (21/24954) of African alleles. Based on insufficient or conflicting evidence, the clinical significance of this alteration remains unclear.

Department of Pathology and Laboratory Medicine, Sinai Health System
Classification: Uncertain significance. Review status: no assertion criteria provided. Collection method: clinical testing. Allele origin: unknown. Affected: yes. Study: The Canadian Open Genetics Repository (COGR). Not counted in ClinVar's aggregate classification.
Comment: The DYPD p.D1000N variant was not identified in the literature nor was it identified in ClinVar. The variant was identified in dbSNP (ID: rs151074666) and in control databases in 28 of 282708 chromosomes at a frequency of 0.00009904, and was observed at the highest frequency in the African population in 21 of 24954 chromosomes (freq: 0.0008415) (Genome Aggregation Database March 6, 2019, v2.1.1). The p.D1000 residue is conserved in mammals and more distantly related organisms, and computational analyses (MUT Assesor, PolyPhen-2, SIFT, MutationTaster, Revel, FATHMM, MetaLR, DANN) provide inconsistent predictions regarding the impact to the protein; this information is not very predictive of pathogenicity. The variant occurs outside of the splicing consensus sequence and in silico or computational prediction software programs (Splice AI exome) do not predict a difference in splicing. In summary, based on the above information the clinical significance of this variant cannot be determined with certainty at this time. This variant is classified as a variant of uncertain significance.Â¬â€

NM_000110.4(DPYD):c.2998G>A (p.Asp1000Asn)

Gene: DPYD (dihydropyrimidine dehydrogenase; minus strand). Cytogenetic location: 1p21.3.
Variant type: single nucleotide variant.
Coding change: c.2998G>A on transcript NM_000110.4 (MANE Select); coding-DNA position 2998, G replaced by A.
Protein change: p.Asp1000Asn; replaces aspartic acid 1000 with asparagine.
Molecular consequence: missense variant.
Genome position (GRCh38, 1-based): chr1:97,079,056, C>T on the plus strand (G>A on the coding strand, the complement: DPYD is on the minus strand). VCF-style: chr1-97079056-C-T. GRCh37 (hg19) VCF-style: chr1-97544612-C-T.
Other names: c.2998G>A (NM_000110.3); short protein forms D1000N.
Identifiers: ClinVar variation 1050568 (VCV001050568.2), dbSNP rs151074666, ClinGen allele CA962880.
Genomic context (GRCh38, chr1:97,079,056, plus strand): 5'-ATAAGGGTACGCCTCTCTTTGGTTCATAAGGTGTTGTCCTGGAAACCATTTTGATGCAGT[C>T]GACAATAGGGCAAACACTGAGACACAGAGTACAGCCTGTACAAGTGTCGGTTATGGTGGG-3'
Protein context (NP_000101.2, residues 990-1010): TLCLSVCPIV[Asp1000Asn]CIKMVSRTTP